The following is an entry in ClinVar:

NM_030777.4(SLC2A10):c.1A>G (p.Met1Val)

Gene: SLC2A10 (solute carrier family 2 member 10; plus strand). Cytogenetic location: 20q13.12.
Variant type: single nucleotide variant.
Coding change: c.1A>G on transcript NM_030777.4 (MANE Select); coding-DNA position 1, A replaced by G.
Protein change: p.Met1Val; changes the start codon (methionine 1).
Molecular consequence: missense variant, initiator codon variant.
Genome position (GRCh38, 1-based): chr20:46,709,737, A>G. VCF-style: chr20-46709737-A-G. GRCh37 (hg19) VCF-style: chr20-45338376-A-G.
Other names: c.1A>G (NM_030777.3); short protein forms M1V.
Identifiers: ClinVar variation 2017181 (VCV002017181.6), dbSNP rs1355346296, ClinGen allele CA409262051.
Genomic context (GRCh38, chr20:46,709,737, plus strand): 5'-GGCGGGGGATGCGCGCCCGGCCCCTCAGCGCCCCCAGCACGCCGCCGAGTCCCGCTCGCC[A>G]TGGGTAAGTCCCGATCGGGCGCTGCCTGCTGGAAGCCCGACCCCTTCCCAGGGTGTAGAC-3'
Protein context (NP_110404.1, residues 1-11): [Met1Val]GHSPPVLPLC

ClinVar aggregate classification (germline): Conflicting classifications of pathogenicity. Review status: criteria provided, conflicting classifications (1 of 4 stars). 2 submissions from 2 submitters: Pathogenic (1); Uncertain significance (1). Last evaluated 2024-03-26.

Conditions:
Arterial tortuosity syndrome (ATORS). Identifiers: Orphanet 3342, MedGen C1859726, MONDO:0008818, OMIM 208050.

Submissions (2):

Genomic Medicine Center of Excellence, King Faisal Specialist Hospital and Research Centre
Classification: Uncertain significance for Arterial tortuosity syndrome. Last evaluated: 2024-03-26. Review status: criteria provided, single submitter. Criteria: ACMG Guidelines, 2015. Collection method: clinical testing. Allele origin: germline.

Labcorp Genetics (formerly Invitae), Labcorp
Classification: Pathogenic for Arterial tortuosity syndrome. Last evaluated: 2022-07-14. Review status: criteria provided, single submitter. Criteria: Invitae Variant Classification Sherloc (09022015). Collection method: clinical testing. Allele origin: germline.
Comment: For these reasons, this variant has been classified as Pathogenic. This variant disrupts a region of the SLC2A10 protein in which other variant(s) (p.Ser81Arg) have been determined to be pathogenic (PMID: 16550171, 18565096). This suggests that this is a clinically significant region of the protein, and that variants that disrupt it are likely to be disease-causing. This variant has not been reported in the literature in individuals affected with SLC2A10-related conditions. The frequency data for this variant in the population databases is considered unreliable, as metrics indicate poor data quality at this position in the gnomAD database. This sequence change affects the initiator methionine of the SLC2A10 mRNA. The next in-frame methionine is located at codon 117.

Literature cited by the submitters: PubMed 16550171 (cited by Labcorp Genetics (formerly Invitae), Labcorp); PubMed 18565096 (cited by Labcorp Genetics (formerly Invitae), Labcorp).